The following is an entry in ClinVar:

NC_012920.1(MT-ND2):m.5442T>C

Gene: MT-ND2 (mitochondrially encoded NADH dehydrogenase 2; plus strand).
Variant type: single nucleotide variant.
Genome position: chrM-5442-T-C.
Identifiers: ClinVar variation 692587 (VCV000692587.1), dbSNP rs3020601, ClinGen allele CA337097142.

ClinVar aggregate classification (germline): Benign (1 of 4 stars; one submission).

Conditions:
Leigh syndrome (NULS). Also called: Leigh's necrotizing encephalopathy; Leigh's disease; Leigh Syndrome (mtDNA deletion); Leigh Disease; Subacute necrotizing encephalopathy; Necrotizing encephalopathy infantile subacute of Leigh. Identifiers: Orphanet 506, MedGen C2931891, MONDO:0009723, OMIM 256000.

Submission:

Wong Mito Lab, Molecular and Human Genetics, Baylor College of Medicine
Classification: Benign for Leigh syndrome. Last evaluated: 2019-10-17. Review status: criteria provided, single submitter. Criteria: Modified ACMG Guidelines (Unpublished). Collection method: clinical testing. Allele origin: germline.
Comment: The NC_012920.1:m.5442T>C (YP_003024027.1:p.Phe325Leu) variant in MTND2 gene is interpretated to be a Benign variant based on the modified ACMG guidelines (unpublished). This variant meets the following evidence codes: BA1